The following is an entry in ClinVar:

ClinVar aggregate classification (germline): Uncertain significance (1 of 4 stars; one submission).

Submission:

Labcorp Genetics (formerly Invitae), Labcorp
Classification: Uncertain significance. Last evaluated: 2025-06-26. Review status: criteria provided, single submitter. Criteria: Invitae Variant Classification Sherloc (09022015). Collection method: clinical testing. Allele origin: germline.
Comment: This variant, c.317_334dup, results in the insertion of 6 amino acid(s) of the BCL11B protein (p.Leu106_Glu111dup), but otherwise preserves the integrity of the reading frame. This variant is not present in population databases (gnomAD no frequency). This variant has not been reported in the literature in individuals affected with BCL11B-related conditions. ClinVar contains an entry for this variant (Variation ID: 1416556). Experimental studies and prediction algorithms are not available or were not evaluated, and the functional significance of this variant is currently unknown. In summary, the available evidence is currently insufficient to determine the role of this variant in disease. Therefore, it has been classified as a Variant of Uncertain Significance.

NM_138576.4(BCL11B):c.317_334dup (p.Leu106_Glu111dup)

Gene: BCL11B (BCL11 transcription factor B; minus strand). Cytogenetic location: 14q32.2.
Variant type: Duplication.
Coding change: c.317_334dup on transcript NM_138576.4 (MANE Select); coding-DNA positions 317 to 334, 18 bases duplicated (TCAGGAAAGTGTCCGAGC).
Protein change: p.Leu106_Glu111dup.
Molecular consequence: inframe insertion.
Genome position (GRCh38, 1-based): chr14:99,257,564-99,257,581, GCTCGGACACTTTCCTGA duplicated on the plus strand (TCAGGAAAGTGTCCGAGC on the coding strand, the reverse complement: BCL11B is on the minus strand); duplicating any 18 consecutive bases within chr14:99,257,564-99,257,588 gives the same sequence; the c. name uses the placement nearest the transcript's 3' end. VCF-style (leftmost placement, unchanged base first): chr14-99257563-G-GGCTCGGACACTTTCCTGA. GRCh37 (hg19) VCF-style: chr14-99723900-G-GGCTCGGACACTTTCCTGA.
Other names: c.314_331dup, p.Leu105_Glu110dup (NM_001282237.2, NM_001282238.2); c.317_334dup, p.Leu106_Glu111dup (NM_022898.3).
Identifiers: ClinVar variation 1416556 (VCV001416556.6), dbSNP rs1889204103, ClinGen allele CA488174585.